The following is an entry in ClinVar:

NM_003482.4(KMT2D):c.12349G>A (p.Gly4117Arg)

Gene: KMT2D (lysine methyltransferase 2D; minus strand). Cytogenetic location: 12q13.12.
Variant type: single nucleotide variant.
Coding change: c.12349G>A on transcript NM_003482.4 (MANE Select); coding-DNA position 12349, G replaced by A.
Protein change: p.Gly4117Arg; replaces glycine 4117 with arginine.
Molecular consequence: missense variant.
Genome position (GRCh38, 1-based): chr12:49,032,356, C>T on the plus strand (G>A on the coding strand, the complement: KMT2D is on the minus strand). VCF-style: chr12-49032356-C-T. GRCh37 (hg19) VCF-style: chr12-49426139-C-T.
Other names: short protein forms G4117R.
Identifiers: ClinVar variation 2637468 (VCV002637468.1), dbSNP rs2120430629, ClinGen allele CA384712029.

ClinVar aggregate classification (germline): Uncertain significance (1 of 4 stars; one submission).

Submission:

Women's Health and Genetics/Laboratory Corporation of America, LabCorp
Classification: Uncertain significance. Last evaluated: 2023-10-03. Review status: criteria provided, single submitter. Criteria: LabCorp Variant Classification Summary - May 2015. Collection method: clinical testing. Allele origin: germline.
Comment: Variant summary: MLL2 c.12349G>A (p.Gly4117Arg) results in a non-conservative amino acid change in the encoded protein sequence. Five of five in-silico tools predict a damaging effect of the variant on protein function. The variant was absent in 248250 control chromosomes. The available data on variant occurrences in the general population are insufficient to allow any conclusion about variant significance. To our knowledge, no occurrence of c.12349G>A in individuals affected with Kabuki Syndrome 1 and no experimental evidence demonstrating its impact on protein function have been reported. No submitters have cited clinical-significance assessments for this variant to ClinVar after 2014. Based on the evidence outlined above, the variant was classified as uncertain significance.